The following is an entry in ClinVar:

NM_001844.5(COL2A1):c.2734-199T>A

Gene: COL2A1 (collagen type II alpha 1 chain; minus strand). Cytogenetic location: 12q13.11.
Variant type: single nucleotide variant.
Coding change: c.2734-199T>A on transcript NM_001844.5 (MANE Select); 199 bases into the intron before coding-DNA position 2734, T replaced by A.
Molecular consequence: intron variant.
Genome position (GRCh38, 1-based): chr12:47,978,957, A>T on the plus strand (T>A on the coding strand, the complement: COL2A1 is on the minus strand). VCF-style: chr12-47978957-A-T. GRCh37 (hg19) VCF-style: chr12-48372740-A-T.
Other names: c.2527-199T>A (NM_033150.3).
Identifiers: ClinVar variation 679448 (VCV000679448.1), dbSNP rs73297159, ClinGen allele CA236522163.

ClinVar aggregate classification (germline): Benign (1 of 4 stars; one submission).

Allele frequency attached by ClinVar (database versions not stated): gnomAD 0.02499 and 0.02664; TOPMed 0.02800; 1000 Genomes Project 0.02935; 1000 Genomes Project 30x 0.03201.
gnomAD v4.1: 3,753 of 151,896 alleles (2.5%); highest among the groups gnomAD compares: African/African-American, 8.5%; 194 homozygotes.

Submission:

GeneDx
Classification: Benign. Last evaluated: 2018-06-14. Review status: criteria provided, single submitter. Criteria: GeneDx Variant Classification (06012015). Collection method: clinical testing. Allele origin: germline. Affected: yes.
Comment: This variant is considered likely benign or benign based on one or more of the following criteria: it is a conservative change, it occurs at a poorly conserved position in the protein, it is predicted to be benign by multiple in silico algorithms, and/or has population frequency not consistent with disease.